The following is an entry in ClinVar:

NM_001080463.2(DYNC2H1):c.9824T>C (p.Ile3275Thr)

Gene: DYNC2H1 (dynein cytoplasmic 2 heavy chain 1; plus strand). Cytogenetic location: 11q22.3.
Variant type: single nucleotide variant.
Coding change: c.9824T>C on transcript NM_001080463.2 (MANE Plus Clinical); coding-DNA position 9824, T replaced by C.
Protein change: p.Ile3275Thr; replaces isoleucine 3275 with threonine.
Molecular consequence: missense variant. On other transcripts: intron variant (1).
Genome position (GRCh38, 1-based): chr11:103,241,531, T>C. VCF-style: chr11-103241531-T-C. GRCh37 (hg19) VCF-style: chr11-103112260-T-C.
Other names: c.9820-2162T>C (NM_001377.3); c.9824T>C (NM_001080463.1); short protein forms I3275T.
Identifiers: ClinVar variation 1498661 (VCV001498661.7), dbSNP rs377493103, ClinGen allele CA6254793.

ClinVar aggregate classification (germline): Uncertain significance. Review status: criteria provided, multiple submitters, no conflicts (2 of 4 stars). 3 submissions from 3 submitters: Uncertain significance (3). Last evaluated 2026-06-25.

Conditions:
Jeune thoracic dystrophy. Also called: Short-rib thoracic dysplasia; Jeune syndrome; Infantile thoracic dystrophy; Thoracic pelvic phalangeal dystrophy; Jeune's syndrome; Chondroectodermal dysplasia-like syndrome. Identifiers: Orphanet 474, MedGen C0265275, MONDO:0018770.
Inborn genetic diseases. Identifiers: MedGen C0950123, MeSH D030342.
DYNC2H1-related disorder. Also called: DYNC2H1-related disorders; DYNC2H1-related condition. Identifiers: MedGen CN378770.

Allele frequency attached by ClinVar (database versions not stated): gnomAD exomes 0.00001 and 0.00002; gnomAD 0.00002; TOPMed 0.00002; ExAC 0.00004.

Submissions (3):

PreventionGenetics, part of Exact Sciences
Classification: Uncertain significance for DYNC2H1-related condition. Last evaluated: 2026-06-25. Review status: criteria provided, single submitter. Criteria: ACMG Guidelines, 2015. Collection method: clinical testing. Allele origin: germline.
Comment: The DYNC2H1 c.9824T>C variant is predicted to result in the amino acid substitution p.Ile3275Thr. To our knowledge, this variant has not been reported in the literature. This variant is reported in 0.036% of alleles in individuals of East Asian descent in gnomAD. At this time, the clinical significance of this variant is uncertain due to the absence of conclusive functional and genetic evidence.

Ambry Genetics
Classification: Uncertain significance for Inborn genetic diseases. Last evaluated: 2025-04-18. Review status: criteria provided, single submitter. Criteria: Ambry Variant Classification Scheme 2023. Collection method: clinical testing. Allele origin: germline.

Labcorp Genetics (formerly Invitae), Labcorp
Classification: Uncertain significance for Jeune thoracic dystrophy. Last evaluated: 2022-04-24. Review status: criteria provided, single submitter. Criteria: Invitae Variant Classification Sherloc (09022015). Collection method: clinical testing. Allele origin: germline.
Comment: This sequence change replaces isoleucine, which is neutral and non-polar, with threonine, which is neutral and polar, at codon 3275 of the DYNC2H1 protein (p.Ile3275Thr). This variant is present in population databases (rs377493103, gnomAD 0.04%). This variant has not been reported in the literature in individuals affected with DYNC2H1-related conditions. Advanced modeling of protein sequence and biophysical properties (such as structural, functional, and spatial information, amino acid conservation, physicochemical variation, residue mobility, and thermodynamic stability) performed at Invitae indicates that this missense variant is not expected to disrupt DYNC2H1 protein function. In summary, the available evidence is currently insufficient to determine the role of this variant in disease. Therefore, it has been classified as a Variant of Uncertain Significance.